The following is an entry in ClinVar:

ClinVar aggregate classification (germline): Pathogenic (1 of 4 stars; one submission).

Submission:

GeneDx
Classification: Pathogenic. Last evaluated: 2023-09-14. Review status: criteria provided, single submitter. Criteria: GeneDx Variant Classification Process June 2021. Collection method: clinical testing. Allele origin: germline. Affected: yes.
Comment: Nonsense variant predicted to result in protein truncation or nonsense mediated decay in a gene for which loss of function is a known mechanism of disease; Not observed at significant frequency in large population cohorts (gnomAD); This variant is associated with the following publications: (PMID: 20301638, 20635334, 15739154, 18478223, 21108399, 24736735, 20672375, 32978145, 15712196)

NM_000168.6(GLI3):c.2149C>T (p.Gln717Ter)

Gene: GLI3 (GLI family zinc finger 3; minus strand). Cytogenetic location: 7p14.1.
Variant type: single nucleotide variant.
Coding change: c.2149C>T on transcript NM_000168.6 (MANE Select); coding-DNA position 2149, C replaced by T.
Protein change: p.Gln717Ter; replaces glutamine 717 with a stop codon.
Molecular consequence: nonsense.
Genome position (GRCh38, 1-based): chr7:41,967,878, G>A on the plus strand (C>T on the coding strand, the complement: GLI3 is on the minus strand). VCF-style: chr7-41967878-G-A. GRCh37 (hg19) VCF-style: chr7-42007476-G-A.
Other names: short protein forms Q717*.
Identifiers: ClinVar variation 2579967 (VCV002579967.1), dbSNP rs116840751, ClinGen allele CA342923.